The following is an entry in ClinVar:

NM_174936.4(PCSK9):c.1036G>A (p.Val346Met)

Gene: PCSK9 (proprotein convertase subtilisin/kexin type 9; plus strand). Cytogenetic location: 1p32.3.
Variant type: single nucleotide variant.
Coding change: c.1036G>A on transcript NM_174936.4 (MANE Select); coding-DNA position 1036, G replaced by A.
Protein change: p.Val346Met; replaces valine 346 with methionine.
Molecular consequence: missense variant. On other transcripts: non-coding transcript variant (7).
Genome position (GRCh38, 1-based): chr1:55,057,370, G>A. VCF-style: chr1-55057370-G-A. GRCh37 (hg19) VCF-style: chr1-55523043-G-A.
Other names: c.1159G>A, p.Val387Met (NM_001407240.1); c.1036G>A, p.Val346Met (NM_001407241.1, NM_001407244.1, NM_001407247.1); c.1039G>A, p.Val347Met (NM_001407242.1); c.979G>A, p.Val327Met (NM_001407243.1); c.844G>A, p.Val282Met (NM_001407245.1); c.661G>A, p.Val221Met (NM_001407246.1); short protein forms V221M, V387M, V327M, V346M, V282M, V347M.
Identifiers: ClinVar variation 4614715 (VCV004614715.1).

ClinVar aggregate classification (germline): Uncertain significance (1 of 4 stars; one submission).

Conditions:
Cardiovascular phenotype. Identifiers: MedGen CN230736.

gnomAD v4.1: 3 of 1,614,090 alleles (0.00019%); highest among the groups gnomAD compares: Non-Finnish European, 0.00025%; no homozygotes.

Submission:

Ambry Genetics
Classification: Uncertain significance for Cardiovascular phenotype. Last evaluated: 2025-10-14. Review status: criteria provided, single submitter. Criteria: Ambry Variant Classification Scheme 2023. Collection method: clinical testing. Allele origin: germline.
Comment: The p.V346M variant (also known as c.1036G>A), located in coding exon 7 of the PCSK9 gene, results from a G to A substitution at nucleotide position 1036. The valine at codon 346 is replaced by methionine, an amino acid with highly similar properties. This amino acid position is conserved. In addition, this alteration is predicted to be tolerated by in silico analysis. Based on the available evidence, the clinical significance of this variant remains unclear.